The following is an entry in ClinVar:

NM_002941.4(ROBO1):c.4360G>T (p.Val1454Leu)

Gene: ROBO1 (roundabout guidance receptor 1; minus strand). Cytogenetic location: 3p12.3.
Variant type: single nucleotide variant.
Coding change: c.4360G>T on transcript NM_002941.4 (MANE Select); coding-DNA position 4360, G replaced by T.
Protein change: p.Val1454Leu; replaces valine 1454 with leucine.
Molecular consequence: missense variant.
Genome position (GRCh38, 1-based): chr3:78,614,723, C>A on the plus strand (G>T on the coding strand, the complement: ROBO1 is on the minus strand). VCF-style: chr3-78614723-C-A. GRCh37 (hg19) VCF-style: chr3-78663873-C-A.
Other names: c.4225G>T, p.Val1409Leu (NM_001145844.1, NM_133631.4); c.4060G>T, p.Val1354Leu (NM_001145845.2); c.4360G>T (NM_002941.3); short protein forms V1409L, V1454L, V1354L.
Identifiers: ClinVar variation 2052159 (VCV002052159.29), dbSNP rs200590399, ClinGen allele CA2498093.

ClinVar aggregate classification (germline): Benign/Likely benign. Review status: criteria provided, multiple submitters, no conflicts (2 of 4 stars). 3 submissions from 3 submitters: Benign (1); Likely benign (1). 1 of the submissions does not count toward it. Last evaluated 2026-09-01.

Conditions:
ROBO1-related disorder. Also called: ROBO1-related condition.

Allele frequency attached by ClinVar (database versions not stated): 1000 Genomes Project 0.00080; ESP Exome Variant Server 0.00090; TOPMed 0.00103; 1000 Genomes Project 30x 0.00109.
gnomAD v4.1: 2,139 of 1,613,088 alleles (0.13%); highest among the groups gnomAD compares: Non-Finnish European, 0.14%; 2 homozygotes.

Submissions (3):

CeGaT Center for Human Genetics Tuebingen
Classification: Likely benign. Last evaluated: 2026-09-01. Review status: criteria provided, single submitter. Criteria: CeGaT Center For Human Genetics Tuebingen Variant Classification Criteria Version 2. Collection method: clinical testing. Allele origin: germline. Affected: yes. Observed: 9 variant alleles.
Comment: ROBO1: BP4

Labcorp Genetics (formerly Invitae), Labcorp
Classification: Benign. Last evaluated: 2026-01-27. Review status: criteria provided, single submitter. Criteria: Invitae Variant Classification Sherloc (09022015). Collection method: clinical testing. Allele origin: germline.

PreventionGenetics, part of Exact Sciences
Classification: Likely benign for ROBO1-related condition. Last evaluated: 2020-07-14. Review status: no assertion criteria provided. Collection method: clinical testing. Allele origin: germline. Not counted in ClinVar's aggregate classification.
Comment: This variant is classified as likely benign based on ACMG/AMP sequence variant interpretation guidelines (Richards et al. 2015 PMID: 25741868, with internal and published modifications).